The following is an entry in ClinVar:

NM_000718.4(CACNA1B):c.1653_1654delinsCT (p.Gly552Trp)

Gene: CACNA1B (calcium voltage-gated channel subunit alpha1 B; plus strand). Cytogenetic location: 9q34.3.
Variant type: Indel.
Coding change: c.1653_1654delinsCT on transcript NM_000718.4 (MANE Select); coding-DNA positions 1653 to 1654, TG replaced by CT.
Protein change: p.Gly552Trp; replaces glycine 552 with tryptophan.
Molecular consequence: missense variant.
Genome position (GRCh38, 1-based): chr9:137,976,016-137,976,017, TG replaced by CT. VCF-style: chr9-137976016-TG-CT. GRCh37 (hg19) VCF-style: chr9-140870468-TG-CT.
Other names: c.1653_1654delinsCT, p.Gly552Trp (NM_001243812.2); short protein forms G552W.
Identifiers: ClinVar variation 2416297 (VCV002416297.6), dbSNP rs2539273763, ClinGen allele CA2580081022.

ClinVar aggregate classification (germline): Uncertain significance (1 of 4 stars; one submission).

Submission:

Labcorp Genetics (formerly Invitae), Labcorp
Classification: Uncertain significance. Last evaluated: 2022-05-09. Review status: criteria provided, single submitter. Criteria: Invitae Variant Classification Sherloc (09022015). Collection method: clinical testing. Allele origin: germline.
Comment: Experimental studies and prediction algorithms are not available or were not evaluated, and the functional significance of this variant is currently unknown. This sequence change replaces glycine, which is neutral and non-polar, with tryptophan, which is neutral and slightly polar, at codon 552 of the CACNA1B protein (p.Gly552Trp). Information on the frequency of this variant in the gnomAD database is not available, as this variant may be reported differently in the database. This variant has not been reported in the literature in individuals affected with CACNA1B-related conditions. In summary, the available evidence is currently insufficient to determine the role of this variant in disease. Therefore, it has been classified as a Variant of Uncertain Significance.